The following is an entry in ClinVar:

ClinVar aggregate classification (germline): Benign/Likely benign. Review status: criteria provided, multiple submitters, no conflicts (2 of 4 stars). 12 submissions from 12 submitters: Benign (1); Likely benign (10). 1 of the submissions does not count toward it. Last evaluated 2026-10-01.

Conditions:
Hereditary cancer-predisposing syndrome. Also called: Hereditary Cancer Syndrome; Hereditary neoplastic syndrome; Neoplastic Syndromes, Hereditary; Tumor predisposition. Identifiers: Orphanet 140162, MedGen C0027672, MeSH D009386, MONDO:0015356.
Hereditary pheochromocytoma and paraganglioma. Also called: Hereditary Paraganglioma-Pheochromocytoma Syndromes; Hereditary paragangliomas and pheochromocytomas; Hereditary pheochromocytoma-paraganglioma. Identifiers: Orphanet 29072, MedGen C4274332, MONDO:0017366.
Pheochromocytoma/paraganglioma syndrome 2. Also called: GLOMUS TUMORS, FAMILIAL, 2; Paragangliomas 2; SDHAF2-Related Hereditary Paraganglioma-Pheochromocytoma Syndrome (Paragangliomas 2); SDHAF2-Related Hereditary Paraganglioma-Pheochromocytoma Syndrome. Identifiers: Orphanet 29072, MedGen C1866552, MONDO:0011121, OMIM 601650.
SDHAF2-related disorder. Also called: SDHAF2-related condition.

Allele frequency attached by ClinVar (database versions not stated): gnomAD exomes 0.00028; 1000 Genomes Project 0.00100; ESP Exome Variant Server 0.00100; gnomAD 0.00098 and 0.00108; TOPMed 0.00118; ExAC 0.00034; 1000 Genomes Project 30x 0.00094.
gnomAD v4.1: 326 of 1,614,188 alleles (0.02%); highest among the groups gnomAD compares: African/African-American, 0.36%; no homozygotes.

Submissions (12):

CeGaT Center for Human Genetics Tuebingen
Classification: Likely benign. Last evaluated: 2026-10-01. Review status: criteria provided, single submitter. Criteria: CeGaT Center For Human Genetics Tuebingen Variant Classification Criteria Version 2. Collection method: clinical testing. Allele origin: germline. Affected: yes. Observed: 2 variant alleles.
Comment: SDHAF2: BP4, BS1

Myriad Genetics, Inc.
Classification: Likely benign for Pheochromocytoma/paraganglioma syndrome 2. Last evaluated: 2026-08-04. Review status: criteria provided, single submitter. Criteria: Myriad Autosomal Dominant, Autosomal Recessive and X-Linked Classification Criteria (2023). Collection method: clinical testing. Allele origin: unknown.
Comment: This variant is considered likely benign. This variant has been observed at a population frequency that is significantly greater than expected given the associated disease prevalence and penetrance.

Labcorp Genetics (formerly Invitae), Labcorp
Classification: Likely benign for Hereditary pheochromocytoma and paraganglioma. Last evaluated: 2026-02-03. Review status: criteria provided, single submitter. Criteria: Invitae Variant Classification Sherloc (09022015). Collection method: clinical testing. Allele origin: germline.

Department of Pathology and Laboratory Medicine, Sinai Health System
Classification: Likely benign for Pheochromocytoma/paraganglioma syndrome 2. Last evaluated: 2025-01-14. Review status: criteria provided, single submitter. Criteria: ACMG Guidelines, 2015. Collection method: clinical testing. Allele origin: germline.

Blueprint Genetics
Classification: Likely benign. Last evaluated: 2024-11-04. Review status: criteria provided, single submitter. Criteria: ACMG Guidelines, 2015. Collection method: clinical testing. Allele origin: germline.

Color Diagnostics, LLC DBA Color Health
Classification: Benign for Hereditary pheochromocytoma and paraganglioma. Last evaluated: 2022-11-02. Review status: criteria provided, single submitter. Criteria: ACMG Guidelines, 2015. Collection method: clinical testing. Allele origin: germline.

Fulgent Genetics
Classification: Likely benign for Pheochromocytoma/paraganglioma syndrome 2. Last evaluated: 2022-05-13. Review status: criteria provided, single submitter. Criteria: ACMG Guidelines, 2015. Collection method: clinical testing. Allele origin: unknown.

Sema4
Classification: Likely benign for Hereditary cancer-predisposing syndrome. Last evaluated: 2020-04-28. Review status: criteria provided, single submitter. Criteria: Sema4 Curation Guidelines. Collection method: curation. Allele origin: germline.

GeneDx
Classification: Likely benign. Last evaluated: 2019-03-15. Review status: criteria provided, single submitter. Criteria: GeneDx Variant Classification Process June 2021. Collection method: clinical testing. Allele origin: germline. Affected: yes.
Comment: This variant is associated with the following publications: (PMID: 30122538)

Ambry Genetics
Classification: Likely benign for Hereditary cancer-predisposing syndrome. Last evaluated: 2019-01-31. Review status: criteria provided, single submitter. Criteria: Ambry Variant Classification Scheme 2023. Collection method: clinical testing. Allele origin: germline.

Breakthrough Genomics
Classification: Likely benign. Review status: criteria provided, single submitter. Criteria: ACMG Guidelines, 2015. Collection method: not provided. Allele origin: germline. Inheritance: Autosomal dominant inheritance. Affected: yes.

PreventionGenetics, part of Exact Sciences
Classification: Likely benign for SDHAF2-related condition. Last evaluated: 2020-11-03. Review status: no assertion criteria provided. Collection method: clinical testing. Allele origin: germline. Not counted in ClinVar's aggregate classification.
Comment: This variant is classified as likely benign based on ACMG/AMP sequence variant interpretation guidelines (Richards et al. 2015 PMID: 25741868, with internal and published modifications).

NM_017841.4(SDHAF2):c.32C>T (p.Ser11Leu)

Gene: SDHAF2 (succinate dehydrogenase complex assembly factor 2; plus strand). Cytogenetic location: 11q12.2.
Variant type: single nucleotide variant.
Coding change: c.32C>T on transcript NM_017841.4 (MANE Select); coding-DNA position 32, C replaced by T.
Protein change: p.Ser11Leu; replaces serine 11 with leucine.
Molecular consequence: missense variant.
Genome position (GRCh38, 1-based): chr11:61,430,178, C>T. VCF-style: chr11-61430178-C-T. GRCh37 (hg19) VCF-style: chr11-61197650-C-T.
Other names: short protein forms S11L.
Identifiers: ClinVar variation 463825 (VCV000463825.27), dbSNP rs148425779, ClinGen allele CA058473.